The following is an entry in ClinVar:

NM_001395656.1(ROBO2):c.2406C>T (p.Ser802=)

Gene: ROBO2 (roundabout guidance receptor 2; plus strand). Cytogenetic location: 3p12.3.
Variant type: single nucleotide variant.
Coding change: c.2406C>T on transcript NM_001395656.1 (MANE Select); coding-DNA position 2406, C replaced by T.
Protein change: p.Ser802=; no amino-acid change (serine 802 retained).
Molecular consequence: synonymous variant.
Genome position (GRCh38, 1-based): chr3:77,580,012, C>T. VCF-style: chr3-77580012-C-T. GRCh37 (hg19) VCF-style: chr3-77629163-C-T.
Other names: c.2442C>T, p.Ser814= (NM_001128929.3); c.2406C>T, p.Ser802= (NM_001290039.2, NM_001290040.2, NM_001378202.1); c.615C>T, p.Ser205= (NM_001290065.2); c.2454C>T, p.Ser818= (NM_001378190.1, NM_001378191.1, NM_001378195.1 and 4 more transcripts); c.2475C>T, p.Ser825= (NM_001378192.1, NM_001378194.1, NM_001378198.1 and 2 more transcripts); c.2394C>T, p.Ser798= (NM_001378193.1, NM_001378197.1, NM_002942.5); c.2463C>T, p.Ser821= (NM_001394212.1, NM_001394214.1, NM_001395657.1).
Identifiers: ClinVar variation 346699 (VCV000346699.35), dbSNP rs200412132, ClinGen allele CA2497323.

ClinVar aggregate classification (germline): Benign/Likely benign. Review status: criteria provided, multiple submitters, no conflicts (2 of 4 stars). 3 submissions from 3 submitters: Benign (1); Likely benign (2). Last evaluated 2026-08-01.

Conditions:
Vesicoureteral reflux 2 (VUR2). Identifiers: Orphanet 289365, MedGen C1970483, MONDO:0012573, OMIM 610878.

Allele frequency attached by ClinVar (database versions not stated): gnomAD 0.00056 and 0.00059; gnomAD exomes 0.00057 and 0.00097; TOPMed 0.00059; ExAC 0.00079; ESP Exome Variant Server 0.00092.
gnomAD v4.1: 1,490 of 1,613,496 alleles (0.092%); highest among the groups gnomAD compares: Non-Finnish European, 0.12%; 1 homozygote.

Submissions (3):

CeGaT Center for Human Genetics Tuebingen
Classification: Likely benign. Last evaluated: 2026-08-01. Review status: criteria provided, single submitter. Criteria: CeGaT Center For Human Genetics Tuebingen Variant Classification Criteria Version 2. Collection method: clinical testing. Allele origin: germline. Affected: yes. Observed: 2 variant alleles.
Comment: ROBO2: BP4, BP7

Labcorp Genetics (formerly Invitae), Labcorp
Classification: Likely benign. Last evaluated: 2025-12-21. Review status: criteria provided, single submitter. Criteria: Invitae Variant Classification Sherloc (09022015). Collection method: clinical testing. Allele origin: germline.

Illumina Laboratory Services, Illumina
Classification: Benign for Vesicoureteral reflux 2. Last evaluated: 2018-01-12. Review status: criteria provided, single submitter. Criteria: ICSL Variant Classification Criteria 13 December 2019. Collection method: clinical testing. Allele origin: germline.
Comment: This variant was observed in the ICSL laboratory as part of a predisposition screen in an ostensibly healthy population. It had not been previously curated by ICSL or reported in the Human Gene Mutation Database (HGMD: prior to June 1st, 2018), and was therefore a candidate for classification through an automated scoring system. Utilizing variant allele frequency, disease prevalence and penetrance estimates, and inheritance mode, an automated score was calculated to assess if this variant is too frequent to cause the disease. Based on the score and internal cut-off values, a variant classified as benign is not then subjected to further curation. The score for this variant resulted in a classification of benign for this disease.